The following is an entry in ClinVar:

ClinVar aggregate classification (germline): Conflicting classifications of pathogenicity. Review status: criteria provided, conflicting classifications (1 of 4 stars). 6 submissions from 6 submitters: Uncertain significance (2); Benign (2); Likely benign (2). Last evaluated 2026-03-12.

Conditions:
GALNT12-related disorder. Also called: GALNT12-related condition.
Colorectal cancer, susceptibility to, 1. Also called: COLORECTAL ADENOMA AND CANCER, SUSCEPTIBILITY TO; COLORECTAL CANCER, SUSCEPTIBILITY TO, ON CHROMOSOME 9. Identifiers: MedGen C1837315, MONDO:0012132, OMIM 608812.

Allele frequency attached by ClinVar (database versions not stated): gnomAD 0.00014 and 0.00015; TOPMed 0.00029.
gnomAD v4.1: 104 of 1,574,710 alleles (0.0066%); highest among the groups gnomAD compares: East Asian, 0.2%; 1 homozygote.

Submissions (6):

PreventionGenetics, part of Exact Sciences
Classification: Likely benign for GALNT12-related condition. Last evaluated: 2026-03-12. Review status: criteria provided, single submitter. Criteria: ACMG Guidelines, 2015. Collection method: clinical testing. Allele origin: germline.
Comment: This variant is classified as likely benign based on ACMG/AMP sequence variant interpretation guidelines (Richards et al. 2015 PMID: 25741868, with internal and published modifications).

Labcorp Genetics (formerly Invitae), Labcorp
Classification: Benign. Last evaluated: 2026-01-06. Review status: criteria provided, single submitter. Criteria: Invitae Variant Classification Sherloc (09022015). Collection method: clinical testing. Allele origin: germline.

Department of Pathology and Laboratory Medicine, Sinai Health System
Classification: Uncertain significance for Colorectal cancer, susceptibility to, 1. Last evaluated: 2024-05-02. Review status: criteria provided, single submitter. Criteria: ACMG Guidelines, 2015. Collection method: clinical testing. Allele origin: germline. Affected: yes.

Quest Diagnostics Nichols Institute San Juan Capistrano
Classification: Benign. Last evaluated: 2022-08-30. Review status: criteria provided, single submitter. Criteria: Quest Diagnostics criteria. Collection method: clinical testing. Allele origin: unknown.

Ambry Genetics
Classification: Likely benign. Last evaluated: 2021-08-04. Review status: criteria provided, single submitter. Criteria: Ambry Variant Classification Scheme 2023. Collection method: clinical testing. Allele origin: germline.

Fulgent Genetics
Classification: Uncertain significance for Colorectal cancer, susceptibility to, 1. Last evaluated: 2018-10-31. Review status: criteria provided, single submitter. Criteria: ACMG Guidelines, 2015. Collection method: clinical testing. Allele origin: unknown.

NM_024642.5(GALNT12):c.329G>A (p.Arg110His)

Gene: GALNT12 (polypeptide N-acetylgalactosaminyltransferase 12; plus strand). Cytogenetic location: 9q22.33.
Variant type: single nucleotide variant.
Coding change: c.329G>A on transcript NM_024642.5 (MANE Select); coding-DNA position 329, G replaced by A.
Protein change: p.Arg110His; replaces arginine 110 with histidine.
Molecular consequence: missense variant.
Genome position (GRCh38, 1-based): chr9:98,808,027, G>A. VCF-style: chr9-98808027-G-A. GRCh37 (hg19) VCF-style: chr9-101570309-G-A.
Other names: short protein forms R110H.
Identifiers: ClinVar variation 485648 (VCV000485648.20), dbSNP rs374994372, ClinGen allele CA5153912.